The following is an entry in ClinVar:

ClinVar aggregate classification (germline): Uncertain significance (1 of 4 stars; one submission).

Conditions:
Inborn genetic diseases. Identifiers: MedGen C0950123, MeSH D030342.

Submission:

Ambry Genetics
Classification: Uncertain significance for Inborn genetic diseases. Last evaluated: 2025-02-18. Review status: criteria provided, single submitter. Criteria: Ambry Variant Classification Scheme 2023. Collection method: clinical testing. Allele origin: germline.
Comment: The c.7204+1G>T intronic variant results from a G to T substitution one nucleotide after exon 53 (coding exon 50) of the HUWE1 gene. Alterations that disrupt the canonical splice site are expected to cause aberrant splicing, resulting in an abnormal protein or a transcript that is subject to nonsense-mediated mRNA decay. However, loss of function of HUWE1 has not been established as a mechanism of disease. This variant was not reported in population-based cohorts in the Genome Aggregation Database (gnomAD). This nucleotide position is highly conserved in available vertebrate species. In silico splice site analysis predicts that this alteration will weaken the native splice donor site. Based on insufficient or conflicting evidence, the clinical significance of this alteration remains unclear.

NM_031407.7(HUWE1):c.7204+1G>T

Genes: HUWE1 (HECT, UBA and WWE domain containing E3 ubiquitin protein ligase 1; minus strand), LOC126863262 (MED14-independent group 3 enhancer GRCh37_chrX:53588722-53589921; plus strand). Cytogenetic location: Xp11.22.
Variant type: single nucleotide variant.
Coding change: c.7204+1G>T on transcript NM_031407.7 (MANE Select); the canonical splice donor site of the intron after coding-DNA position 7204, G replaced by T.
Molecular consequence: splice donor variant.
Genome position (GRCh38, 1-based): chrX:53,562,830, C>A on the plus strand (G>T on the coding strand, the complement: HUWE1 is on the minus strand). VCF-style: chrX-53562830-C-A. GRCh37 (hg19) VCF-style: chrX-53589791-C-A.
Identifiers: ClinVar variation 3859137 (VCV003859137.1).